The following is an entry in ClinVar:

ClinVar aggregate classification (germline): Uncertain significance. Review status: criteria provided, multiple submitters, no conflicts (2 of 4 stars). 2 submissions from 2 submitters: Uncertain significance (2). Last evaluated 2026-02-01.

Conditions:
Inborn genetic diseases. Identifiers: MedGen C0950123, MeSH D030342.
Autosomal dominant polycystic kidney disease. Identifiers: Orphanet 730, MedGen C0085413, MONDO:0004691.

Allele frequency attached by ClinVar (database versions not stated): gnomAD exomes 0.00001.
gnomAD v4.1: 12 of 1,606,688 alleles (0.00075%); highest among the groups gnomAD compares: East Asian, 0.0022%; no homozygotes.

Submissions (2):

Labcorp Genetics (formerly Invitae), Labcorp
Classification: Uncertain significance for Autosomal dominant polycystic kidney disease. Last evaluated: 2026-02-01. Review status: criteria provided, single submitter. Criteria: Invitae Variant Classification Sherloc (09022015). Collection method: clinical testing. Allele origin: germline.
Comment: This sequence change replaces asparagine, which is neutral and polar, with serine, which is neutral and polar, at codon 560 of the PKD2 protein (p.Asn560Ser). This variant is not present in population databases (gnomAD no frequency). This variant has not been reported in the literature in individuals affected with PKD2-related conditions. ClinVar contains an entry for this variant (Variation ID: 3213668). Invitae Evidence Modeling of protein sequence and biophysical properties (such as structural, functional, and spatial information, amino acid conservation, physicochemical variation, residue mobility, and thermodynamic stability) indicates that this missense variant is not expected to disrupt PKD2 protein function with a negative predictive value of 80%. In summary, the available evidence is currently insufficient to determine the role of this variant in disease. Therefore, it has been classified as a Variant of Uncertain Significance.

Ambry Genetics
Classification: Uncertain significance for Inborn genetic diseases. Last evaluated: 2024-02-12. Review status: criteria provided, single submitter. Criteria: Ambry Variant Classification Scheme 2023. Collection method: clinical testing. Allele origin: germline.

NM_000297.4(PKD2):c.1679A>G (p.Asn560Ser)

Gene: PKD2 (polycystin 2, transient receptor potential cation channel; plus strand). Cytogenetic location: 4q22.1.
Variant type: single nucleotide variant.
Coding change: c.1679A>G on transcript NM_000297.4 (MANE Select); coding-DNA position 1679, A replaced by G.
Protein change: p.Asn560Ser; replaces asparagine 560 with serine.
Molecular consequence: missense variant. On other transcripts: non-coding transcript variant (1).
Genome position (GRCh38, 1-based): chr4:88,052,121, A>G. VCF-style: chr4-88052121-A-G. GRCh37 (hg19) VCF-style: chr4-88973273-A-G.
Other names: short protein forms N560S.
Identifiers: ClinVar variation 3213668 (VCV003213668.2), dbSNP rs1720127973, ClinGen allele CA357622244.